The following is an entry in ClinVar:

NM_015631.6(TCTN3):c.2T>C (p.Met1Thr)

Genes: TCTN3 (tectonic family member 3; minus strand), LOC130004408 (ATAC-STARR-seq lymphoblastoid active region 3801; plus strand). Cytogenetic location: 10q24.1.
Variant type: single nucleotide variant.
Coding change: c.2T>C on transcript NM_015631.6 (MANE Select); coding-DNA position 2, T replaced by C.
Protein change: p.Met1Thr; changes the start codon (methionine 1).
Molecular consequence: missense variant, initiator codon variant.
Genome position (GRCh38, 1-based): chr10:95,693,898, A>G on the plus strand (T>C on the coding strand, the complement: TCTN3 is on the minus strand). VCF-style: chr10-95693898-A-G. GRCh37 (hg19) VCF-style: chr10-97453655-A-G.
Other names: c.56T>C, p.Met19Thr (NM_001013840.1); c.2T>C, p.Met1Thr (NM_001143973.2, NM_001410982.1); short protein forms M19T, M1T.
Identifiers: ClinVar variation 2034806 (VCV002034806.5), dbSNP rs373479905, ClinGen allele CA377714653.

ClinVar aggregate classification (germline): Pathogenic (1 of 4 stars; one submission).

Conditions:
Joubert syndrome 18 (JBTS18). Identifiers: Orphanet 2754, MedGen C3553758, MONDO:0013896, OMIM 614815.
Orofacial-digital syndrome IV (OFD4). Also called: BARAITSER-BURN SYNDROME; OFD SYNDROME WITH TIBIAL DEFECTS; OFD SYNDROME, BARAITSER-BURN TYPE; OFDS IV; ORAL-FACIAL-DIGITAL SYNDROME, TYPE IV; Orofaciodigital syndrome IV. Identifiers: Orphanet 2753, MedGen C0406727, MONDO:0009794, OMIM 258860.

Submission:

Labcorp Genetics (formerly Invitae), Labcorp
Classification: Pathogenic for Joubert syndrome 18; Orofacial-digital syndrome IV. Last evaluated: 2022-10-08. Review status: criteria provided, single submitter. Criteria: Invitae Variant Classification Sherloc (09022015). Collection method: clinical testing. Allele origin: germline.
Comment: For these reasons, this variant has been classified as Pathogenic. Disruption of the initiator codon has been observed in individual(s) with clinical features of Joubert syndrome (PMID: 26092869; Invitae). In at least one individual the data is consistent with being in trans (on the opposite chromosome) from a pathogenic variant. This variant is not present in population databases (gnomAD no frequency). This sequence change affects the initiator methionine of the TCTN3 mRNA. The next in-frame methionine is located at codon 152.

Literature cited by the submitters: PubMed 26092869.